The following is an entry in ClinVar:

ClinVar aggregate classification (germline): Uncertain significance (1 of 4 stars; one submission).

Conditions:
Dilated cardiomyopathy 1G (CMD1G). Identifiers: Orphanet 154, MedGen C1858763, MONDO:0011400, OMIM 604145.
Autosomal recessive limb-girdle muscular dystrophy type 2J (LGMDR10). Also called: Limb-girdle muscular dystrophy, type 2J; MUSCULAR DYSTROPHY, LIMB-GIRDLE, AUTOSOMAL RECESSIVE 10. Identifiers: Orphanet 140922, MedGen C1837342, MONDO:0012127, OMIM 608807.

Allele frequency attached by ClinVar (database versions not stated): gnomAD exomes below 0.00001; ExAC 0.00001; TOPMed 0.00001; ESP Exome Variant Server 0.00008.
gnomAD v4.1: 1 of 1,613,994 alleles (0.000062%); highest among the groups gnomAD compares: Non-Finnish European, 0.000085%; no homozygotes.

Submission:

Labcorp Genetics (formerly Invitae), Labcorp
Classification: Uncertain significance for Dilated cardiomyopathy 1G; Autosomal recessive limb-girdle muscular dystrophy type 2J. Last evaluated: 2025-07-27. Review status: criteria provided, single submitter. Criteria: Invitae Variant Classification Sherloc (09022015). Collection method: clinical testing. Allele origin: germline.
Comment: This sequence change replaces isoleucine, which is neutral and non-polar, with valine, which is neutral and non-polar, at codon 34944 of the TTN protein (p.Ile34944Val). This variant is present in population databases (rs367770867, gnomAD 0.002%). This variant has not been reported in the literature in individuals affected with TTN-related conditions. ClinVar contains an entry for this variant (Variation ID: 2107545). Experimental studies and prediction algorithms are not available or were not evaluated, and the functional significance of this variant is currently unknown. This variant is located in the M band of TTN (PMID: 25589632). Non-truncating variants in this region may be relevant for neuromuscular disorders, but have not been definitively shown to cause cardiomyopathy (PMID: 23975875). In summary, the available evidence is currently insufficient to determine the role of this variant in disease. Therefore, it has been classified as a Variant of Uncertain Significance.

Literature cited by the submitters: PubMed 25589632; PubMed 23975875.

NM_001267550.2(TTN):c.104830A>G (p.Ile34944Val)

Genes: TTN (titin; minus strand), TTN-AS1 (TTN antisense RNA 1; plus strand). Cytogenetic location: 2q31.2.
Variant type: single nucleotide variant.
Coding change: c.104830A>G on transcript NM_001267550.2 (MANE Select); coding-DNA position 104830, A replaced by G.
Protein change: p.Ile34944Val; replaces isoleucine 34944 with valine.
Molecular consequence: missense variant.
Genome position (GRCh38, 1-based): chr2:178,531,785, T>C on the plus strand (A>G on the coding strand, the complement: TTN is on the minus strand). VCF-style: chr2-178531785-T-C. GRCh37 (hg19) VCF-style: chr2-179396512-T-C.
Other names: c.99907A>G, p.Ile33303Val (NM_001256850.1); c.77635A>G, p.Ile25879Val (NM_003319.4); c.97126A>G, p.Ile32376Val (NM_133378.4); c.78010A>G, p.Ile26004Val (NM_133432.3); c.78211A>G, p.Ile26071Val (NM_133437.4); short protein forms I26004V, I26071V, I32376V, I25879V, I33303V, I34944V.
Identifiers: ClinVar variation 2107545 (VCV002107545.4), dbSNP rs367770867, ClinGen allele CA1985352.